The following is an entry in ClinVar:

ClinVar aggregate classification (germline): Uncertain significance (1 of 4 stars; one submission).

Submission:

GeneDx
Classification: Uncertain significance. Last evaluated: 2022-07-01. Review status: criteria provided, single submitter. Criteria: GeneDx Variant Classification Process June 2021. Collection method: clinical testing. Allele origin: germline. Affected: yes.
Comment: Not observed at significant frequency in large population cohorts (gnomAD); Nonsense variant predicted to result in protein truncation or nonsense mediated decay in a gene or region of a gene for which loss of function is not a well-established mechanism of disease; Has not been previously published as pathogenic or benign to our knowledge

NM_014975.3(MAST1):c.3003G>A (p.Trp1001Ter)

Gene: MAST1 (microtubule associated serine/threonine kinase 1; plus strand). Cytogenetic location: 19p13.13.
Variant type: single nucleotide variant.
Coding change: c.3003G>A on transcript NM_014975.3 (MANE Select); coding-DNA position 3003, G replaced by A.
Protein change: p.Trp1001Ter; replaces tryptophan 1001 with a stop codon.
Molecular consequence: nonsense.
Genome position (GRCh38, 1-based): chr19:12,869,295, G>A. VCF-style: chr19-12869295-G-A. GRCh37 (hg19) VCF-style: chr19-12980109-G-A.
Other names: short protein forms W1001*.
Identifiers: ClinVar variation 1809907 (VCV001809907.1), dbSNP rs2512541099, ClinGen allele CA404283984.